The following is an entry in ClinVar:

ClinVar aggregate classification (germline): Uncertain significance (1 of 4 stars; one submission).

Conditions:
Duchenne muscular dystrophy (DMD). Also called: MUSCULAR DYSTROPHY, PSEUDOHYPERTROPHIC PROGRESSIVE, DUCHENNE TYPE; Duchenne Muscular Dystrophy (DMD). Identifiers: Orphanet 98896, MedGen C0013264, MONDO:0010679, OMIM 310200.

gnomAD v4.1: 3 of 1,210,849 alleles (0.00025%); highest among the groups gnomAD compares: Non-Finnish European, 0.00034%; no homozygotes.

Submission:

Labcorp Genetics (formerly Invitae), Labcorp
Classification: Uncertain significance for Duchenne muscular dystrophy. Last evaluated: 2023-05-22. Review status: criteria provided, single submitter. Criteria: Invitae Variant Classification Sherloc (09022015). Collection method: clinical testing. Allele origin: germline.
Comment: This sequence change replaces serine, which is neutral and polar, with asparagine, which is neutral and polar, at codon 1474 of the DMD protein (p.Ser1474Asn). In summary, the available evidence is currently insufficient to determine the role of this variant in disease. Therefore, it has been classified as a Variant of Uncertain Significance. Algorithms developed to predict the effect of sequence changes on RNA splicing suggest that this variant may disrupt the consensus splice site. Advanced modeling of protein sequence and biophysical properties (such as structural, functional, and spatial information, amino acid conservation, physicochemical variation, residue mobility, and thermodynamic stability) performed at Invitae indicates that this missense variant is not expected to disrupt DMD protein function. ClinVar contains an entry for this variant (Variation ID: 1436348). This variant has not been reported in the literature in individuals affected with DMD-related conditions. This variant is not present in population databases (gnomAD no frequency).

NM_004006.3(DMD):c.4421G>A (p.Ser1474Asn)

Gene: DMD (dystrophin; minus strand). Cytogenetic location: Xp21.1.
Variant type: single nucleotide variant.
Coding change: c.4421G>A on transcript NM_004006.3 (MANE Select); coding-DNA position 4421, G replaced by A.
Protein change: p.Ser1474Asn; replaces serine 1474 with asparagine.
Molecular consequence: missense variant.
Genome position (GRCh38, 1-based): chrX:32,389,598, C>T on the plus strand (G>A on the coding strand, the complement: DMD is on the minus strand). VCF-style: chrX-32389598-C-T. GRCh37 (hg19) VCF-style: chrX-32407715-C-T.
Other names: c.4397G>A, p.Ser1466Asn (NM_000109.4); c.4409G>A, p.Ser1470Asn (NM_004009.3); c.4052G>A, p.Ser1351Asn (NM_004010.3); c.398G>A, p.Ser133Asn (NM_004011.4); c.389G>A, p.Ser130Asn (NM_004012.4); short protein forms S133N, S1474N, S1351N, S130N, S1466N, S1470N.
Identifiers: ClinVar variation 1436348 (VCV001436348.8), dbSNP rs398123956, ClinGen allele CA412663540.